The following is an entry in ClinVar:

NM_015335.5(MED13L):c.5299C>T (p.His1767Tyr)

Gene: MED13L (mediator complex subunit 13L; minus strand). Cytogenetic location: 12q24.21.
Variant type: single nucleotide variant.
Coding change: c.5299C>T on transcript NM_015335.5 (MANE Select); coding-DNA position 5299, C replaced by T.
Protein change: p.His1767Tyr; replaces histidine 1767 with tyrosine.
Molecular consequence: missense variant.
Genome position (GRCh38, 1-based): chr12:115,980,815, G>A on the plus strand (C>T on the coding strand, the complement: MED13L is on the minus strand). VCF-style: chr12-115980815-G-A. GRCh37 (hg19) VCF-style: chr12-116418620-G-A.
Other names: c.5299C>T (NM_015335.4); short protein forms H1767Y.
Identifiers: ClinVar variation 1380170 (VCV001380170.9), dbSNP rs2137264450, ClinGen allele CA386880180.

ClinVar aggregate classification (germline): Uncertain significance. Review status: criteria provided, multiple submitters, no conflicts (2 of 4 stars). 2 submissions from 2 submitters: Uncertain significance (2). Last evaluated 2024-09-27.

Conditions:
Dextro-looped transposition of the great arteries. Also called: Dextrotransposition of the great arteries. Identifiers: Orphanet 860, MedGen C3531771, MONDO:0019443, OMIM 608808, HP:0031348.
Inborn genetic diseases. Identifiers: MedGen C0950123, MeSH D030342.

Submissions (2):

Ambry Genetics
Classification: Uncertain significance for Inborn genetic diseases. Last evaluated: 2024-09-27. Review status: criteria provided, single submitter. Criteria: Ambry Variant Classification Scheme 2023. Collection method: clinical testing. Allele origin: germline.

Labcorp Genetics (formerly Invitae), Labcorp
Classification: Uncertain significance for Dextro-looped transposition of the great arteries. Last evaluated: 2021-06-25. Review status: criteria provided, single submitter. Criteria: Invitae Variant Classification Sherloc (09022015). Collection method: clinical testing. Allele origin: germline.
Comment: This sequence change replaces histidine with tyrosine at codon 1767 of the MED13L protein (p.His1767Tyr). The histidine residue is moderately conserved and there is a moderate physicochemical difference between histidine and tyrosine. This variant is not present in population databases (ExAC no frequency). This variant has not been reported in the literature in individuals with MED13L-related conditions. Advanced modeling of protein sequence and biophysical properties (such as structural, functional, and spatial information, amino acid conservation, physicochemical variation, residue mobility, and thermodynamic stability) performed at Invitae indicates that this missense variant is not expected to disrupt MED13L protein function. In summary, the available evidence is currently insufficient to determine the role of this variant in disease. Therefore, it has been classified as a Variant of Uncertain Significance.